The following is an entry in ClinVar:

NM_001232.4(CASQ2):c.175C>A (p.Pro59Thr)

Gene: CASQ2 (calsequestrin 2; minus strand). Cytogenetic location: 1p13.1.
Variant type: single nucleotide variant.
Coding change: c.175C>A on transcript NM_001232.4 (MANE Select); coding-DNA position 175, C replaced by A.
Protein change: p.Pro59Thr; replaces proline 59 with threonine.
Molecular consequence: missense variant.
Genome position (GRCh38, 1-based): chr1:115,768,367, G>T on the plus strand (C>A on the coding strand, the complement: CASQ2 is on the minus strand). VCF-style: chr1-115768367-G-T. GRCh37 (hg19) VCF-style: chr1-116310988-G-T.
Other names: c.175C>A (NM_001232.3); short protein forms P59T.
Identifiers: ClinVar variation 1465760 (VCV001465760.5), dbSNP rs866858282, ClinGen allele CA341767088.

ClinVar aggregate classification (germline): Uncertain significance. Review status: criteria provided, multiple submitters, no conflicts (2 of 4 stars). 2 submissions from 2 submitters: Uncertain significance (2). Last evaluated 2026-07-06.

Conditions:
Catecholaminergic polymorphic ventricular tachycardia 1. Also called: VENTRICULAR TACHYCARDIA, CATECHOLAMINERGIC POLYMORPHIC, 1, WITH OR WITHOUT ATRIAL DYSFUNCTION AND/OR DILATED CARDIOMYOPATHY; RYR2-Related Catecholaminergic Polymorphic Ventricular Tachycardia; VENTRICULAR TACHYCARDIA, STRESS-INDUCED POLYMORPHIC 1. Identifiers: Orphanet 3286, MedGen C1631597, MONDO:0011484, OMIM 604772.
Cardiovascular phenotype. Identifiers: MedGen CN230736.

gnomAD v4.1: 1 of 1,613,910 alleles (0.000062%); highest among the groups gnomAD compares: African/African-American, 0.0013%; no homozygotes.

Submissions (2):

Ambry Genetics
Classification: Uncertain significance for Cardiovascular phenotype. Last evaluated: 2026-07-06. Review status: criteria provided, single submitter. Criteria: Ambry Variant Classification Scheme 2023. Collection method: clinical testing. Allele origin: germline.
Comment: The p.P59T variant (also known as c.175C>A), located in coding exon 1 of the CASQ2 gene, results from a C to A substitution at nucleotide position 175. The proline at codon 59 is replaced by threonine, an amino acid with highly similar properties. This amino acid position is conserved. In addition, the in silico prediction for this alteration is inconclusive. Based on the available evidence, the clinical significance of this variant remains unclear.

Labcorp Genetics (formerly Invitae), Labcorp
Classification: Uncertain significance for Catecholaminergic polymorphic ventricular tachycardia 1. Last evaluated: 2021-08-13. Review status: criteria provided, single submitter. Criteria: Invitae Variant Classification Sherloc (09022015). Collection method: clinical testing. Allele origin: germline.
Comment: This sequence change replaces proline with threonine at codon 59 of the CASQ2 protein (p.Pro59Thr). The proline residue is moderately conserved and there is a small physicochemical difference between proline and threonine. This variant is not present in population databases (ExAC no frequency). This variant has not been reported in the literature in individuals affected with CASQ2-related conditions. Algorithms developed to predict the effect of missense changes on protein structure and function are either unavailable or do not agree on the potential impact of this missense change (SIFT: "Tolerated"; PolyPhen-2: "Probably Damaging"; Align-GVGD: "Class C0"). In summary, the available evidence is currently insufficient to determine the role of this variant in disease. Therefore, it has been classified as a Variant of Uncertain Significance.